The following is an entry in ClinVar:

ClinVar aggregate classification (germline): Likely pathogenic (1 of 4 stars; one submission).

Conditions:
Nephrotic syndrome, type 4 (NPHS4). Also called: Familial mesangial sclerosis; Nephrotic syndrome, early onset with diffuse mesangial sclerosis. Identifiers: Orphanet 656, MedGen C3151568, MONDO:0009733, OMIM 256370.

Submission:

Precision Medicine Center, Zhengzhou University
Classification: Likely pathogenic for Nephrotic syndrome, type 4. Last evaluated: 2023-12-01. Review status: criteria provided, single submitter. Criteria: ACMG Guidelines, 2015. Collection method: clinical testing. Allele origin: de novo. Affected: yes.
Comment: PS2,PM2_p,PP3,PP4

NM_024426.6(WT1):c.1394T>C (p.Phe465Ser)

Gene: WT1 (WT1 transcription factor; minus strand). Cytogenetic location: 11p13.
Variant type: single nucleotide variant.
Coding change: c.1394T>C on transcript NM_024426.6 (MANE Select); coding-DNA position 1394, T replaced by C.
Protein change: p.Phe465Ser; replaces phenylalanine 465 with serine.
Molecular consequence: missense variant. On other transcripts: non-coding transcript variant (2), intron variant (2).
Genome position (GRCh38, 1-based): chr11:32,392,025, A>G on the plus strand (T>C on the coding strand, the complement: WT1 is on the minus strand). VCF-style: chr11-32392025-A-G. GRCh37 (hg19) VCF-style: chr11-32413571-A-G.
Other names: c.1343T>C, p.Phe448Ser (NM_000378.6, NM_001407045.1); c.743T>C, p.Phe248Ser (NM_001198551.2); c.692T>C, p.Phe231Ser (NM_001198552.2); c.206T>C, p.Phe69Ser (NM_001367854.1); c.1388T>C, p.Phe463Ser (NM_001407044.1); c.1271T>C, p.Phe424Ser (NM_001407047.1); c.1253T>C, p.Phe418Ser (NM_001407048.1); c.1220T>C, p.Phe407Ser (NM_001407050.1); and 5 more; short protein forms F211S, F231S, F248S, F407S, F418S, F424S, F443S, F448S.
Identifiers: ClinVar variation 2681778 (VCV002681778.2), dbSNP rs2132914663.